The following is an entry in ClinVar:

ClinVar aggregate classification (germline): Benign/Likely benign. Review status: criteria provided, multiple submitters, no conflicts (2 of 4 stars). 26 submissions from 19 submitters: Benign (18); Likely benign (4). 4 of the submissions do not count toward it. Last evaluated 2026-02-03.

Conditions:
Cardiovascular phenotype. Identifiers: MedGen CN230736.
Dilated cardiomyopathy 1G (CMD1G). Identifiers: Orphanet 154, MedGen C1858763, MONDO:0011400, OMIM 604145.
Autosomal recessive limb-girdle muscular dystrophy type 2J (LGMDR10). Also called: MUSCULAR DYSTROPHY, LIMB-GIRDLE, AUTOSOMAL RECESSIVE 10; Limb-girdle muscular dystrophy, type 2J. Identifiers: Orphanet 140922, MedGen C1837342, MONDO:0012127, OMIM 608807.
Early-onset myopathy with fatal cardiomyopathy (CMYO5). Also called: CONGENITAL MYOPATHY 5 WITH CARDIOMYOPATHY; Salih Myopathy. Identifiers: Orphanet 289377, MedGen C2673677, MONDO:0012714, OMIM 611705. Disease mechanism: loss of function.
Hypertrophic cardiomyopathy 9. Also called: Familial hypertrophic cardiomyopathy 9. Identifiers: MedGen C1861065, MONDO:0013412, OMIM 613765.
Tibial muscular dystrophy (TMD). Also called: Udd Distal Myopathy – Tibial Muscular Dystrophy; Tibial muscular dystrophy, tardive; UDD MYOPATHY. Identifiers: Orphanet 609, MedGen C1838244, MONDO:0010870, OMIM 600334.
Myopathy, myofibrillar, 9, with early respiratory failure (MFM9). Also called: Myopathy, distal, with early respiratory failure, autosomal dominant; Hereditary myopathy with early respiratory failure; MYOPATHY, PROXIMAL, WITH EARLY RESPIRATORY MUSCLE INVOLVEMENT; EDSTROM MYOPATHY. Identifiers: Orphanet 178464, Orphanet 34521, MedGen C1863599, MONDO:0011362, OMIM 603689.
Cardiomyopathy (CMYO). Also called: Cardiomyopathies. Identifiers: Orphanet 167848, MedGen C0878544, MONDO:0004994, HP:0001638. Inheritance: Various modes of inheritance.

Allele frequency attached by ClinVar (database versions not stated): gnomAD exomes 0.00349; 1000 Genomes Project 30x 0.01562; ESP Exome Variant Server 0.01367; ExAC 0.00432; gnomAD 0.01237 and 0.01336; TOPMed 0.01461; 1000 Genomes Project 0.01418.
gnomAD v4.1: 4,024 of 1,612,100 alleles (0.25%); highest among the groups gnomAD compares: African/African-American, 4.3%; 72 homozygotes.

Submissions (26):

Labcorp Genetics (formerly Invitae), Labcorp
Classification: Benign for Dilated cardiomyopathy 1G; Autosomal recessive limb-girdle muscular dystrophy type 2J. Last evaluated: 2026-02-03. Review status: criteria provided, single submitter. Criteria: Invitae Variant Classification Sherloc (09022015). Collection method: clinical testing. Allele origin: germline.

ARUP Laboratories, Molecular Genetics and Genomics, ARUP Laboratories
Classification: Benign. Last evaluated: 2025-07-01. Review status: criteria provided, single submitter. Criteria: ARUP Molecular Germline Variant Investigation Process 2024. Collection method: clinical testing. Allele origin: germline.

Molecular Diagnostic Laboratory for Inherited Cardiovascular Disease, Montreal Heart Institute
Classification: Likely benign. Last evaluated: 2025-04-09. Review status: criteria provided, single submitter. Criteria: ACMG Guidelines, 2015. Collection method: clinical testing. Allele origin: germline. Affected: no.

Athena Diagnostics
Classification: Benign. Last evaluated: 2024-07-31. Review status: criteria provided, single submitter. Criteria: Athena Diagnostics Criteria. Collection method: clinical testing. Allele origin: unknown.

CHEO Genetics Diagnostic Laboratory, Children's Hospital of Eastern Ontario
Classification: Benign for Cardiomyopathy. Last evaluated: 2022-12-12. Review status: criteria provided, single submitter. Criteria: ACMG Guidelines, 2015. Collection method: clinical testing. Allele origin: germline. Study: Canadian Open Genetics Repository.

Mayo Clinic Laboratories, Mayo Clinic
Classification: Benign. Last evaluated: 2022-10-20. Review status: criteria provided, single submitter. Criteria: ACMG Guidelines, 2015. Collection method: clinical testing. Allele origin: germline. Observed: 42 variant alleles.

Fulgent Genetics
Classification: Benign for Tibial muscular dystrophy; Myopathy, myofibrillar, 9, with early respiratory failure; Dilated cardiomyopathy 1G; Autosomal recessive limb-girdle muscular dystrophy type 2J; Early-onset myopathy with fatal cardiomyopathy; Hypertrophic cardiomyopathy 9. Last evaluated: 2021-11-02. Review status: criteria provided, single submitter. Criteria: ACMG Guidelines, 2015. Collection method: clinical testing. Allele origin: unknown.

Genome-Nilou Lab
Classification: Benign for Autosomal recessive limb-girdle muscular dystrophy type 2J. Last evaluated: 2021-09-10. Review status: criteria provided, single submitter. Criteria: ACMG Guidelines, 2015. Collection method: clinical testing. Allele origin: germline. Affected: no.

Genome-Nilou Lab
Classification: Benign for Myopathy, myofibrillar, 9, with early respiratory failure. Last evaluated: 2021-09-10. Review status: criteria provided, single submitter. Criteria: ACMG Guidelines, 2015. Collection method: clinical testing. Allele origin: germline. Affected: no.

Genome-Nilou Lab
Classification: Benign for Early-onset myopathy with fatal cardiomyopathy. Last evaluated: 2021-09-10. Review status: criteria provided, single submitter. Criteria: ACMG Guidelines, 2015. Collection method: clinical testing. Allele origin: germline. Affected: no.

Genome-Nilou Lab
Classification: Benign for Tibial muscular dystrophy. Last evaluated: 2021-09-10. Review status: criteria provided, single submitter. Criteria: ACMG Guidelines, 2015. Collection method: clinical testing. Allele origin: germline. Affected: no.

Women's Health and Genetics/Laboratory Corporation of America, LabCorp
Classification: Likely benign. Last evaluated: 2019-12-09. Review status: criteria provided, single submitter. Criteria: LabCorp Variant Classification Summary - May 2015. Collection method: clinical testing. Allele origin: germline.

Illumina Laboratory Services, Illumina
Classification: Benign for Autosomal recessive limb-girdle muscular dystrophy type 2J. Last evaluated: 2018-01-13. Review status: criteria provided, single submitter. Criteria: ICSL Variant Classification Criteria 13 December 2019. Collection method: clinical testing. Allele origin: germline.
Comment: This variant was observed in the ICSL laboratory as part of a predisposition screen in an ostensibly healthy population. It had not been previously curated by ICSL or reported in the Human Gene Mutation Database (HGMD: prior to June 1st, 2018), and was therefore a candidate for classification through an automated scoring system. Utilizing variant allele frequency, disease prevalence and penetrance estimates, and inheritance mode, an automated score was calculated to assess if this variant is too frequent to cause the disease. Based on the score and internal cut-off values, a variant classified as benign is not then subjected to further curation. The score for this variant resulted in a classification of benign for this disease.

Illumina Laboratory Services, Illumina
Classification: Benign for Tibial muscular dystrophy. Last evaluated: 2018-01-13. Review status: criteria provided, single submitter. Criteria: ICSL Variant Classification Criteria 13 December 2019. Collection method: clinical testing. Allele origin: germline.
Comment: the same text as in the submission from Illumina Laboratory Services, Illumina above.

Illumina Laboratory Services, Illumina
Classification: Benign for Early-onset myopathy with fatal cardiomyopathy. Last evaluated: 2018-01-13. Review status: criteria provided, single submitter. Criteria: ICSL Variant Classification Criteria 13 December 2019. Collection method: clinical testing. Allele origin: germline.
Comment: the same text as in the submission from Illumina Laboratory Services, Illumina above.

Illumina Laboratory Services, Illumina
Classification: Benign for Myopathy, myofibrillar, 9, with early respiratory failure. Last evaluated: 2018-01-13. Review status: criteria provided, single submitter. Criteria: ICSL Variant Classification Criteria 13 December 2019. Collection method: clinical testing. Allele origin: germline.
Comment: the same text as in the submission from Illumina Laboratory Services, Illumina above.

Illumina Laboratory Services, Illumina
Classification: Likely benign for Dilated cardiomyopathy 1G. Last evaluated: 2018-01-13. Review status: criteria provided, single submitter. Criteria: ICSL Variant Classification Criteria 13 December 2019. Collection method: clinical testing. Allele origin: germline.
Comment: This variant was observed in the ICSL laboratory as part of a predisposition screen in an ostensibly healthy population. It had not been previously curated by ICSL or reported in the Human Gene Mutation Database (HGMD: prior to June 1st, 2018), and was therefore a candidate for classification through an automated scoring system. Utilizing variant allele frequency, disease prevalence and penetrance estimates, and inheritance mode, an automated score was calculated to assess if this variant is too frequent to cause the disease. Based on the score and internal cut-off values, a variant classified as likely benign is not then subjected to further curation. The score for this variant resulted in a classification of likely benign for this disease.

Biesecker Lab/Clinical Genomics Section, National Institutes of Health
Classification: Benign. Last evaluated: 2013-06-24. Review status: criteria provided, single submitter. Criteria: Ng et al. (Circ Cardiovasc Genet. 2013). Collection method: research. Allele origin: unknown. Observed: 2 variant alleles. Study: ClinSeq.
Comment: The study set was not selected for affection status in relation to any cancer. Pathogenicity categories were based on literature curation. See Pubmed ID:23861362 for details.

Medical sequencing

GeneDx
Classification: Benign. Last evaluated: 2013-04-30. Review status: criteria provided, single submitter. Criteria: GeneDx Variant Classification (06012015). Collection method: clinical testing. Allele origin: germline. Affected: yes.
Comment: This variant is considered likely benign or benign based on one or more of the following criteria: it is a conservative change, it occurs at a poorly conserved position in the protein, it is predicted to be benign by multiple in silico algorithms, and/or has population frequency not consistent with disease.

Ambry Genetics
Classification: Benign for Cardiovascular phenotype. Last evaluated: 2013-03-05. Review status: criteria provided, single submitter. Criteria: Ambry Autosomal Dominant and X-Linked criteria (10/2015). Collection method: clinical testing. Allele origin: germline. Observed: 1 variant allele.

Laboratory for Molecular Medicine, Mass General Brigham Personalized Medicine
Classification: Benign. Last evaluated: 2012-02-09. Review status: criteria provided, single submitter. Criteria: LMM Criteria. Collection method: clinical testing. Allele origin: germline. Observed: 20 variant alleles.
Comment: Ala19271Val in exon 261 of TTN: This variant is classified as benign based on it s high frequency in the general population (dbSNP rs55948748; NHLBI Exome Sequen cing Project).

Breakthrough Genomics
Classification: Likely benign. Review status: criteria provided, single submitter. Criteria: ACMG Guidelines, 2015. Collection method: not provided. Allele origin: germline. Inheritance: Autosomal recessive inheritance. Affected: yes.

Clinical Genetics DNA and cytogenetics Diagnostics Lab, Erasmus MC, Erasmus Medical Center
Classification: Benign. Review status: no assertion criteria provided. Collection method: clinical testing. Allele origin: germline. Affected: yes. Study: VKGL Data-share Consensus. Not counted in ClinVar's aggregate classification.

Clinical Genetics, Academic Medical Center
Classification: Benign. Review status: no assertion criteria provided. Collection method: clinical testing. Allele origin: germline. Affected: yes. Study: VKGL Data-share Consensus. Not counted in ClinVar's aggregate classification.

Diagnostic Laboratory, Department of Genetics, University Medical Center Groningen
Classification: Likely benign. Review status: no assertion criteria provided. Collection method: clinical testing. Allele origin: germline. Affected: yes. Study: VKGL Data-share Consensus. Not counted in ClinVar's aggregate classification.

Joint Genome Diagnostic Labs from Nijmegen and Maastricht, Radboudumc and MUMC+
Classification: Benign. Review status: no assertion criteria provided. Collection method: clinical testing. Allele origin: germline. Affected: yes. Study: VKGL Data-share Consensus. Not counted in ClinVar's aggregate classification.

NM_001267550.2(TTN):c.65516C>T (p.Ala21839Val)

Genes: TTN (titin; minus strand), TTN-AS1 (TTN antisense RNA 1; plus strand). Cytogenetic location: 2q31.2.
Variant type: single nucleotide variant.
Coding change: c.65516C>T on transcript NM_001267550.2 (MANE Select); coding-DNA position 65516, C replaced by T.
Protein change: p.Ala21839Val; replaces alanine 21839 with valine.
Molecular consequence: missense variant. On other transcripts: non-coding transcript variant (1).
Genome position (GRCh38, 1-based): chr2:178,583,666, G>A on the plus strand (C>T on the coding strand, the complement: TTN is on the minus strand). VCF-style: chr2-178583666-G-A. GRCh37 (hg19) VCF-style: chr2-179448393-G-A.
Other names: p.A20198V:GCG>GTG; c.60593C>T, p.Ala20198Val (NM_001256850.1); c.38321C>T, p.Ala12774Val (NM_003319.4); c.57812C>T, p.Ala19271Val (NM_133378.4); c.38696C>T, p.Ala12899Val (NM_133432.3); c.38897C>T, p.Ala12966Val (NM_133437.4); short protein forms A21839V, A19271V, A20198V, A12899V, A12774V, A12966V.
Identifiers: ClinVar variation 47223 (VCV000047223.49), dbSNP rs55948748, ClinGen allele CA283604.